The following is an entry in ClinVar:

ClinVar aggregate classification (germline): Uncertain significance. Review status: criteria provided, multiple submitters, no conflicts (2 of 4 stars). 2 submissions from 2 submitters: Uncertain significance (2). Last evaluated 2024-06-17.

Conditions:
Alstrom syndrome (ALMS). Identifiers: Orphanet 64, MedGen C0268425, MONDO:0008763, OMIM 203800.

gnomAD v4.1: 3 of 1,607,870 alleles (0.00019%); highest among the groups gnomAD compares: East Asian, 0.0022%; no homozygotes.

Submissions (2):

GeneDx
Classification: Uncertain significance. Last evaluated: 2024-06-17. Review status: criteria provided, single submitter. Criteria: GeneDx Variant Classification Process June 2021. Collection method: clinical testing. Allele origin: germline. Affected: yes.
Comment: Not observed at significant frequency in large population cohorts (gnomAD); In silico analysis indicates that this missense variant does not alter protein structure/function; Has not been previously published as pathogenic or benign to our knowledge

Labcorp Genetics (formerly Invitae), Labcorp
Classification: Uncertain significance for Alstrom syndrome. Last evaluated: 2022-05-31. Review status: criteria provided, single submitter. Criteria: Invitae Variant Classification Sherloc (09022015). Collection method: clinical testing. Allele origin: germline.
Comment: This sequence change replaces glutamine, which is neutral and polar, with histidine, which is basic and polar, at codon 280 of the ALMS1 protein (p.Gln280His). This variant is not present in population databases (gnomAD no frequency). This variant has not been reported in the literature in individuals affected with ALMS1-related conditions. Experimental studies and prediction algorithms are not available or were not evaluated, and the functional significance of this variant is currently unknown. In summary, the available evidence is currently insufficient to determine the role of this variant in disease. Therefore, it has been classified as a Variant of Uncertain Significance.

NM_001378454.1(ALMS1):c.837G>T (p.Gln279His)

Gene: ALMS1 (ALMS1 centrosome and basal body associated protein; plus strand). Cytogenetic location: 2p13.1.
Variant type: single nucleotide variant.
Coding change: c.837G>T on transcript NM_001378454.1 (MANE Select); coding-DNA position 837, G replaced by T.
Protein change: p.Gln279His; replaces glutamine 279 with histidine.
Molecular consequence: missense variant.
Genome position (GRCh38, 1-based): chr2:73,424,502, G>T. VCF-style: chr2-73424502-G-T. GRCh37 (hg19) VCF-style: chr2-73651630-G-T.
Other names: c.840G>T, p.Gln280His (NM_015120.4); short protein forms Q280H, Q279H.
Identifiers: ClinVar variation 2140353 (VCV002140353.2), dbSNP rs766179893, ClinGen allele CA347260570.